The following is an entry in ClinVar:

ClinVar aggregate classification (germline): Uncertain significance. Review status: criteria provided, multiple submitters, no conflicts (2 of 4 stars). 5 submissions from 5 submitters: Uncertain significance (5). Last evaluated 2025-08-21.

Conditions:
Inborn genetic diseases. Identifiers: MedGen C0950123, MeSH D030342.

Allele frequency attached by ClinVar (database versions not stated): ExAC 0.00009; gnomAD exomes 0.00013 and 0.00027; ESP Exome Variant Server 0.00015; TOPMed 0.00018; gnomAD 0.00021 and 0.00022; 1000 Genomes Project 30x 0.00031; 1000 Genomes Project 0.00040.
gnomAD v4.1: 421 of 1,614,002 alleles (0.026%); highest among the groups gnomAD compares: Non-Finnish European, 0.034%; 3 homozygotes.

Submissions (5):

Ambry Genetics
Classification: Uncertain significance for Inborn genetic diseases. Last evaluated: 2025-08-21. Review status: criteria provided, single submitter. Criteria: Ambry Variant Classification Scheme 2023. Collection method: clinical testing. Allele origin: germline.

Women's Health and Genetics/Laboratory Corporation of America, LabCorp
Classification: Uncertain significance. Last evaluated: 2025-07-22. Review status: criteria provided, single submitter. Criteria: LabCorp Variant Classification Summary - May 2015. Collection method: clinical testing. Allele origin: germline.
Comment: Variant summary: EPRS1 c.2387G>T (p.Gly796Val) results in a non-conservative amino acid change in the encoded protein sequence. Algorithms developed to predict the effect of missense changes on protein structure and function are either unavailable or do not agree on the potential impact of this missense change. The variant allele was found at a frequency of 0.00013 in 282534 control chromosomes. This frequency is not significantly higher than estimated for a pathogenic variant in EPRS1 causing Leukodystrophy, Hypomyelinating, 15, allowing no conclusion about variant significance. To our knowledge, no occurrence of c.2387G>T in individuals affected with Leukodystrophy, Hypomyelinating, 15 and no experimental evidence demonstrating its impact on protein function have been reported. ClinVar contains an entry for this variant (Variation ID: 1680950). Based on the evidence outlined above, the variant was classified as uncertain significance.

Blueprint Genetics
Classification: Uncertain significance. Last evaluated: 2024-11-18. Review status: criteria provided, single submitter. Criteria: ACMG Guidelines, 2015. Collection method: clinical testing. Allele origin: germline.

Greenwood Genetic Center Diagnostic Laboratories, Greenwood Genetic Center
Classification: Uncertain significance. Last evaluated: 2023-07-27. Review status: criteria provided, single submitter. Criteria: ACMG Guidelines, 2015. Collection method: clinical testing. Allele origin: germline. Affected: yes.
Comment: PM2

Labcorp Genetics (formerly Invitae), Labcorp
Classification: Uncertain significance. Last evaluated: 2022-08-22. Review status: criteria provided, single submitter. Criteria: Invitae Variant Classification Sherloc (09022015). Collection method: clinical testing. Allele origin: germline.
Comment: This sequence change replaces glycine, which is neutral and non-polar, with valine, which is neutral and non-polar, at codon 796 of the EPRS protein (p.Gly796Val). This variant is present in population databases (rs200164911, gnomAD 0.02%). This variant has not been reported in the literature in individuals affected with EPRS-related conditions. ClinVar contains an entry for this variant (Variation ID: 1680950). Algorithms developed to predict the effect of missense changes on protein structure and function are either unavailable or do not agree on the potential impact of this missense change (SIFT: "Deleterious"; PolyPhen-2: "Probably Damaging"; Align-GVGD: "Class C0"). In summary, the available evidence is currently insufficient to determine the role of this variant in disease. Therefore, it has been classified as a Variant of Uncertain Significance.

NM_004446.3(EPRS1):c.2387G>T (p.Gly796Val)

Gene: EPRS1 (glutamyl-prolyl-tRNA synthetase 1; minus strand). Cytogenetic location: 1q41.
Variant type: single nucleotide variant.
Coding change: c.2387G>T on transcript NM_004446.3 (MANE Select); coding-DNA position 2387, G replaced by T.
Protein change: p.Gly796Val; replaces glycine 796 with valine.
Molecular consequence: missense variant.
Genome position (GRCh38, 1-based): chr1:219,997,137, C>A on the plus strand (G>T on the coding strand, the complement: EPRS1 is on the minus strand). VCF-style: chr1-219997137-C-A. GRCh37 (hg19) VCF-style: chr1-220170479-C-A.
Other names: c.2387G>T (NM_004446.2); short protein forms G796V.
Identifiers: ClinVar variation 1680950 (VCV001680950.7), dbSNP rs200164911, ClinGen allele CA1399993.